The following is an entry in ClinVar:

NM_001282531.3(ADNP):c.415_416insCTTTCAAAGATAAAAGTA (p.Ser138_Ser139insThrPheLysAspLysSer)

Gene: ADNP (activity dependent neuroprotector homeobox; minus strand). Cytogenetic location: 20q13.13.
Variant type: Insertion.
Coding change: c.415_416insCTTTCAAAGATAAAAGTA on transcript NM_001282531.3 (MANE Select); coding-DNA positions 415 to 416, CTTTCAAAGATAAAAGTA inserted.
Protein change: p.Ser138_Ser139insThrPheLysAspLysSer.
Molecular consequence: inframe insertion. On other transcripts: 5 prime UTR variant (1).
Genome position: GRCh38 VCF-style: chr20-50894298-C-CTACTTTTATCTTTGAAAG. GRCh37 (hg19) VCF-style: chr20-49510835-C-CTACTTTTATCTTTGAAAG.
Other names: c.415_416insCTTTCAAAGATAAAAGTA, p.Ser138_Ser139insThrPheLysAspLysSer (NM_001282532.2, NM_001347511.2, NM_015339.5 and 1 more transcripts); c.631_632insCTTTCAAAGATAAAAGTA, p.Ser210_Ser211insThrPheLysAspLysSer (NM_001439000.1); c.-270_-269insCTTTCAAAGATAAAAGTA (NM_001439001.1).
Identifiers: ClinVar variation 5006390 (VCV005006390.2).
Genomic context (GRCh38, chr20:50,894,298, plus strand): 5'-CTGTCAGCCTGCTTAGGTTTAAGGCCATCATTTTTGTTTTTATCTTTGAAAGTGCTGAGG[C>CTACTTTTATCTTTGAAAG]TGCTACTTGGTGCGCTGGCGTTCGGAGCATGAAATATTTTAATGTGTGTTTCCAAAGTCT-3'

ClinVar aggregate classification (germline): Uncertain significance (1 of 4 stars; one submission).

Conditions:
ADNP-related multiple congenital anomalies - intellectual disability - autism spectrum disorder. Also called: ADNP-Related Helsmoortel-Van der Aa Syndrome; Helsmoortel-Van der Aa Syndrome. Identifiers: Orphanet 404448, MedGen C4014538, MONDO:0014379, OMIM 615873. Disease mechanism: loss of function.

Submission:

Juno Genomics, Hangzhou Juno Genomics, Inc
Classification: Uncertain significance for ADNP-related multiple congenital anomalies - intellectual disability - autism spectrum disorder. Review status: criteria provided, single submitter. Criteria: ACMG Guidelines, 2015. Collection method: clinical testing. Allele origin: germline.
Comment: Protein length changes due to in-frame deletions/insertions in a non-repeat region or stop-loss variants.;Absent from controls (or at extremely low frequency if recessive) in Genome Aggregation Database.